The following is an entry in ClinVar:

NM_015272.5(RPGRIP1L):c.1029+3A>C

Gene: RPGRIP1L (RPGRIP1 like; minus strand). Cytogenetic location: 16q12.2.
Variant type: single nucleotide variant.
Coding change: c.1029+3A>C on transcript NM_015272.5 (MANE Select); 3 bases into the intron after coding-DNA position 1029, A replaced by C.
Molecular consequence: intron variant.
Genome position (GRCh38, 1-based): chr16:53,672,867, T>G on the plus strand (A>C on the coding strand, the complement: RPGRIP1L is on the minus strand). VCF-style: chr16-53672867-T-G. GRCh37 (hg19) VCF-style: chr16-53706779-T-G.
Other names: c.1029+3A>C (NM_001127897.4, NM_001330538.2, NM_001308334.3 and 1 more transcripts).
Identifiers: ClinVar variation 1057906 (VCV001057906.6), dbSNP rs778583149, ClinGen allele CA8057959.
Genomic context (GRCh38, chr16:53,672,867, plus strand): 5'-TTTTTCAAAACAGTTACCAAGAAGTTGTAATGCAACAGATGGCTAAACTCTTTGGGAGCT[T>G]ACCTCTTCTATTCTTCTTTCAGAAAACTTCATAGAATGTAATTGTTTCTCAAGACTGCAG-3'

ClinVar aggregate classification (germline): Uncertain significance. Review status: criteria provided, multiple submitters, no conflicts (2 of 4 stars). 4 submissions from 4 submitters: Uncertain significance (2). 2 of the submissions do not count toward it. Last evaluated 2024-02-26.

Conditions:
RPGRIP1L-related disorder. Also called: RPGRIP1L-related disorders; RPGRIP1L-related condition. Identifiers: MedGen CN239416.
Meckel syndrome, type 5 (MKS5). Identifiers: Orphanet 564, MedGen C1969052, MONDO:0012695, OMIM 611561.
COACH syndrome 3. Identifiers: MedGen C5436841, MONDO:0030862, OMIM 619113.
Joubert syndrome 7 (JBTS7). Identifiers: Orphanet 220497, MedGen C1969053, MONDO:0012694, OMIM 611560.
Meckel-Gruber syndrome. Also called: DYSENCEPHALIA SPLANCHNOCYSTICA; GRUBER SYNDROME; Dysencephalia splachnocystica. Identifiers: Orphanet 564, MedGen C0265215, MONDO:0018921.
Joubert syndrome. Also called: JOUBERT-BOLTSHAUSER SYNDROME; Familial aplasia of the vermis. Identifiers: Orphanet 475, MedGen C5979921, MONDO:0018772.

Allele frequency attached by ClinVar (database versions not stated): gnomAD exomes 0.00001; TOPMed 0.00003; ExAC 0.00001; gnomAD 0.00005.
gnomAD v4.1: 14 of 1,611,780 alleles (0.00087%); highest among the groups gnomAD compares: African/African-American, 0.012%; no homozygotes.

Submissions (4):

Labcorp Genetics (formerly Invitae), Labcorp
Classification: Uncertain significance for Joubert syndrome; Meckel-Gruber syndrome. Last evaluated: 2024-02-26. Review status: criteria provided, single submitter. Criteria: Invitae Variant Classification Sherloc (09022015). Collection method: clinical testing. Allele origin: germline.
Comment: This sequence change falls in intron 8 of the RPGRIP1L gene. It does not directly change the encoded amino acid sequence of the RPGRIP1L protein. It affects a nucleotide within the consensus splice site. This variant is present in population databases (rs778583149, gnomAD 0.02%). This variant has not been reported in the literature in individuals affected with RPGRIP1L-related conditions. ClinVar contains an entry for this variant (Variation ID: 1057906). Variants that disrupt the consensus splice site are a relatively common cause of aberrant splicing (PMID: 17576681, 9536098). Algorithms developed to predict the effect of sequence changes on RNA splicing suggest that this variant may disrupt the consensus splice site. In summary, the available evidence is currently insufficient to determine the role of this variant in disease. Therefore, it has been classified as a Variant of Uncertain Significance.

Fulgent Genetics
Classification: Uncertain significance for Joubert syndrome 7; Meckel syndrome, type 5; COACH syndrome 3. Last evaluated: 2021-12-28. Review status: criteria provided, single submitter. Criteria: ACMG Guidelines, 2015. Collection method: clinical testing. Allele origin: unknown.

PreventionGenetics, part of Exact Sciences
Classification: Uncertain significance for RPGRIP1L-related condition. Last evaluated: 2024-09-05. Review status: no assertion criteria provided. Collection method: clinical testing. Allele origin: germline. Not counted in ClinVar's aggregate classification.
Comment: The RPGRIP1L c.1029+3A>C variant is predicted to interfere with splicing. To our knowledge, this variant has not been reported in the literature. This variant is reported in 0.020% of alleles in individuals of African descent in gnomAD. At this time, the clinical significance of this variant is uncertain due to the absence of conclusive functional and genetic evidence.

Natera, Inc.
Classification: Uncertain significance for Joubert syndrome. Last evaluated: 2020-06-06. Review status: no assertion criteria provided. Collection method: clinical testing. Allele origin: germline. Not counted in ClinVar's aggregate classification.

Literature cited by the submitters: PubMed 17576681 (cited by Labcorp Genetics (formerly Invitae), Labcorp); PubMed 9536098 (cited by Labcorp Genetics (formerly Invitae), Labcorp).